The following is an entry in ClinVar:

NM_144596.4(TTC8):c.-23C>T

Gene: TTC8 (tetratricopeptide repeat domain 8; plus strand). Cytogenetic location: 14q31.3.
Variant type: single nucleotide variant.
Coding change: c.-23C>T on transcript NM_144596.4 (MANE Select); 23 bases upstream of the start codon, C replaced by T.
Molecular consequence: 5 prime UTR variant. On other transcripts: non-coding transcript variant (1).
Genome position (GRCh38, 1-based): chr14:88,824,685, C>T. VCF-style: chr14-88824685-C-T. GRCh37 (hg19) VCF-style: chr14-89291029-C-T.
Other names: c.-23C>T (NM_001288781.1, NM_001366535.2, NM_001366536.2 and 2 more transcripts); c.-585C>T (NM_001288782.1); c.-680C>T (NM_001288783.1).
Identifiers: ClinVar variation 3354131 (VCV003354131.1).

ClinVar aggregate classification (germline): Likely benign (0 of 4 stars; one submission).

Conditions:
TTC8-related disorder. Also called: TTC8-related condition.

gnomAD v4.1: 20 of 1,578,268 alleles (0.0013%); highest among the groups gnomAD compares: Middle Eastern, 0.019%; no homozygotes.

Submission:

PreventionGenetics, part of Exact Sciences
Classification: Likely benign for TTC8-related condition. Last evaluated: 2024-07-15. Review status: no assertion criteria provided. Collection method: clinical testing. Allele origin: germline.
Comment: This variant is classified as likely benign based on ACMG/AMP sequence variant interpretation guidelines (Richards et al. 2015 PMID: 25741868, with internal and published modifications).